The following is an entry in ClinVar:

NM_015474.4(SAMHD1):c.861_862dup (p.Lys288fs)

Gene: SAMHD1 (SAM and HD domain containing deoxynucleoside triphosphate triphosphohydrolase 1; minus strand). Cytogenetic location: 20q11.23.
Variant type: Microsatellite.
Coding change: c.861_862dup on transcript NM_015474.4 (MANE Select); coding-DNA positions 861 to 862, 2 bases duplicated (TA; older notation c.861_862dupTA).
Protein change: p.Lys288fs; shifts the reading frame from lysine 288.
Molecular consequence: frameshift variant.
Genome position (GRCh38, 1-based): chr20:36,917,040-36,917,041, TA duplicated on the plus strand (TA on the coding strand, the reverse complement: SAMHD1 is on the minus strand); duplicating any 2 consecutive bases within chr20:36,917,040-36,917,044 gives the same sequence; the c. name uses the placement nearest the transcript's 3' end. VCF-style (leftmost placement, unchanged base first): chr20-36917039-T-TTA. GRCh37 (hg19) VCF-style: chr20-35545442-T-TTA.
Other names: c.861_862dup, p.Lys288fs (NM_001363729.2, NM_001363733.2); short protein forms K288fs.
Identifiers: ClinVar variation 2978847 (VCV002978847.3), dbSNP rs2515244774, ClinGen allele CA2740097066.
Genomic context (GRCh38, chr20:36,917,039, plus strand): 5'-ATGCCATTTCTTTTATTAGATACTATCTCATAAAGGAAGCTTTTGTTTTCAGGACGCCCT[T>TTA]TATATGGCCACTGGAAGGCAAGAAAACCCACTGGAAGTTTTAGGATAGGCACCAAATCTA-3'

ClinVar aggregate classification (germline): Pathogenic (1 of 4 stars; one submission).

Conditions:
Aicardi-Goutieres syndrome 5. Identifiers: Orphanet 51, MedGen C2749659, MONDO:0013059, OMIM 612952.

Submission:

Labcorp Genetics (formerly Invitae), Labcorp
Classification: Pathogenic for Aicardi-Goutieres syndrome 5. Last evaluated: 2022-11-15. Review status: criteria provided, single submitter. Criteria: Invitae Variant Classification Sherloc (09022015). Collection method: clinical testing. Allele origin: germline.
Comment: For these reasons, this variant has been classified as Pathogenic. This variant has not been reported in the literature in individuals affected with SAMHD1-related conditions. This variant is not present in population databases (gnomAD no frequency). This sequence change creates a premature translational stop signal (p.Lys288Ilefs*14) in the SAMHD1 gene. It is expected to result in an absent or disrupted protein product. Loss-of-function variants in SAMHD1 are known to be pathogenic (PMID: 19525956, 22461318).

Literature cited by the submitters: PubMed 19525956; PubMed 22461318.